The following is an entry in ClinVar:

NM_000384.3(APOB):c.1369C>A (p.Pro457Thr)

Gene: APOB (apolipoprotein B; minus strand). Cytogenetic location: 2p24.1.
Variant type: single nucleotide variant.
Coding change: c.1369C>A on transcript NM_000384.3 (MANE Select); coding-DNA position 1369, C replaced by A.
Protein change: p.Pro457Thr; replaces proline 457 with threonine.
Molecular consequence: missense variant.
Genome position (GRCh38, 1-based): chr2:21,029,999, G>T on the plus strand (C>A on the coding strand, the complement: APOB is on the minus strand). VCF-style: chr2-21029999-G-T. GRCh37 (hg19) VCF-style: chr2-21252871-G-T.
Other names: short protein forms P457T.
Identifiers: ClinVar variation 3416969 (VCV003416969.2).

ClinVar aggregate classification (germline): Uncertain significance (1 of 4 stars; one submission).

Conditions:
Cardiovascular phenotype. Identifiers: MedGen CN230736.

gnomAD v4.1: 2 of 1,611,928 alleles (0.00012%); highest among the groups gnomAD compares: Non-Finnish European, 0.000085%; no homozygotes.

Submission:

Ambry Genetics
Classification: Uncertain significance for Cardiovascular phenotype. Last evaluated: 2026-09-11. Review status: criteria provided, single submitter. Criteria: Ambry Variant Classification Scheme 2023. Collection method: clinical testing. Allele origin: germline.
Comment: The p.P457T variant (also known as c.1369C>A), located in coding exon 11 of the APOB gene, results from a C to A substitution at nucleotide position 1369. The proline at codon 457 is replaced by threonine, an amino acid with highly similar properties. This amino acid position is conserved. In addition, this alteration is predicted to be tolerated by in silico analysis. Based on the available evidence, the clinical significance of this variant remains unclear.